The following is an entry in ClinVar:

NM_005908.4(MANBA):c.1254C>G (p.Ala418=)

Gene: MANBA (mannosidase beta; minus strand). Cytogenetic location: 4q24.
Variant type: single nucleotide variant.
Coding change: c.1254C>G on transcript NM_005908.4 (MANE Select); coding-DNA position 1254, C replaced by G.
Protein change: p.Ala418=; no amino-acid change (alanine 418 retained).
Molecular consequence: synonymous variant.
Genome position (GRCh38, 1-based): chr4:102,669,026, G>C on the plus strand (C>G on the coding strand, the complement: MANBA is on the minus strand). VCF-style: chr4-102669026-G-C. GRCh37 (hg19) VCF-style: chr4-103590183-G-C.
Identifiers: ClinVar variation 791001 (VCV000791001.14), dbSNP rs139157403, ClinGen allele CA3026957.

ClinVar aggregate classification (germline): Benign/Likely benign. Review status: criteria provided, multiple submitters, no conflicts (2 of 4 stars). 4 submissions from 4 submitters: Benign (1); Likely benign (2). 1 of the submissions does not count toward it. Last evaluated 2026-02-01.

Conditions:
MANBA-related disorder. Also called: MANBA-related condition.
Beta-D-mannosidosis (MANSB). Also called: Beta-Mannosidosis; LYSOSOMAL BETA-MANNOSIDASE DEFICIENCY; MANNOSIDOSIS, BETA A, LYSOSOMAL; BETA-MANNOSIDASE DEFICIENCY. Identifiers: Orphanet 118, MedGen C4048196, MONDO:0009562, OMIM 248510.

Allele frequency attached by ClinVar (database versions not stated): gnomAD exomes 0.00013 and 0.00037; 1000 Genomes Project 30x 0.00016; 1000 Genomes Project 0.00020; ExAC 0.00057; gnomAD 0.00155 and 0.00173; TOPMed 0.00191; ESP Exome Variant Server 0.00208.
gnomAD v4.1: 430 of 1,613,426 alleles (0.027%); highest among the groups gnomAD compares: African/African-American, 0.5%; 1 homozygote.

Submissions (4):

Labcorp Genetics (formerly Invitae), Labcorp
Classification: Benign for Beta-D-mannosidosis. Last evaluated: 2026-02-01. Review status: criteria provided, single submitter. Criteria: Invitae Variant Classification Sherloc (09022015). Collection method: clinical testing. Allele origin: germline.

Blueprint Genetics
Classification: Likely benign. Last evaluated: 2024-11-14. Review status: criteria provided, single submitter. Criteria: ACMG Guidelines, 2015. Collection method: clinical testing. Allele origin: germline.

Illumina Laboratory Services, Illumina
Classification: Likely benign for Beta-D-mannosidosis. Last evaluated: 2018-01-13. Review status: criteria provided, single submitter. Criteria: ICSL Variant Classification Criteria 13 December 2019. Collection method: clinical testing. Allele origin: germline.
Comment: This variant was observed in the ICSL laboratory as part of a predisposition screen in an ostensibly healthy population. It had not been previously curated by ICSL or reported in the Human Gene Mutation Database (HGMD: prior to June 1st, 2018), and was therefore a candidate for classification through an automated scoring system. Utilizing variant allele frequency, disease prevalence and penetrance estimates, and inheritance mode, an automated score was calculated to assess if this variant is too frequent to cause the disease. Based on the score and internal cut-off values, a variant classified as likely benign is not then subjected to further curation. The score for this variant resulted in a classification of likely benign for this disease.

PreventionGenetics, part of Exact Sciences
Classification: Likely benign for MANBA-related condition. Last evaluated: 2019-05-03. Review status: no assertion criteria provided. Collection method: clinical testing. Allele origin: germline. Not counted in ClinVar's aggregate classification.
Comment: This variant is classified as likely benign based on ACMG/AMP sequence variant interpretation guidelines (Richards et al. 2015 PMID: 25741868, with internal and published modifications).